The following is an entry in ClinVar:

NM_152618.3(BBS12):c.476C>T (p.Pro159Leu)

Gene: BBS12 (Bardet-Biedl syndrome 12; plus strand). Cytogenetic location: 4q27.
Variant type: single nucleotide variant.
Coding change: c.476C>T on transcript NM_152618.3 (MANE Select); coding-DNA position 476, C replaced by T.
Protein change: p.Pro159Leu; replaces proline 159 with leucine.
Molecular consequence: missense variant.
Genome position (GRCh38, 1-based): chr4:122,742,368, C>T. VCF-style: chr4-122742368-C-T. GRCh37 (hg19) VCF-style: chr4-123663523-C-T.
Other names: c.476C>T, p.Pro159Leu (NM_001178007.2); short protein forms P159L.
Identifiers: ClinVar variation 555505 (VCV000555505.20), dbSNP rs1450190654, ClinGen allele CA358223022.

ClinVar aggregate classification (germline): Conflicting classifications of pathogenicity. Review status: criteria provided, conflicting classifications (1 of 4 stars). 6 submissions from 6 submitters: Likely pathogenic (2); Uncertain significance (2). 2 of the submissions do not count toward it. Last evaluated 2024-10-23.

Conditions:
BBS12-related disorder. Also called: BBS12-related condition.
Bardet-Biedl syndrome (BBS). Identifiers: Orphanet 110, MedGen C0752166, MONDO:0015229.
Bardet-Biedl syndrome 12 (BBS12). Identifiers: Orphanet 110, MedGen C1859570, MONDO:0014440, OMIM 615989.

Allele frequency attached by ClinVar (database versions not stated): gnomAD exomes 0.00001; TOPMed 0.00002; gnomAD 0.00003 and 0.00004.
gnomAD v4.1: 24 of 1,614,012 alleles (0.0015%); highest among the groups gnomAD compares: Non-Finnish European, 0.0019%; no homozygotes.

Submissions (6):

Labcorp Genetics (formerly Invitae), Labcorp
Classification: Likely pathogenic for Bardet-Biedl syndrome. Last evaluated: 2024-10-23. Review status: criteria provided, single submitter. Criteria: Invitae Variant Classification Sherloc (09022015). Collection method: clinical testing. Allele origin: germline.
Comment: This sequence change replaces proline, which is neutral and non-polar, with leucine, which is neutral and non-polar, at codon 159 of the BBS12 protein (p.Pro159Leu). This variant is present in population databases (no rsID available, gnomAD 0.002%). This missense change has been observed in individual(s) with BBS12-related conditions (PMID: 22410627, 25982971). ClinVar contains an entry for this variant (Variation ID: 555505). Invitae Evidence Modeling of protein sequence and biophysical properties (such as structural, functional, and spatial information, amino acid conservation, physicochemical variation, residue mobility, and thermodynamic stability) indicates that this missense variant is expected to disrupt BBS12 protein function with a positive predictive value of 80%. Experimental studies are conflicting or provide insufficient evidence to determine the effect of this variant on BBS12 function (PMID: 20080638, 20498079). In summary, the currently available evidence indicates that the variant is pathogenic, but additional data are needed to prove that conclusively. Therefore, this variant has been classified as Likely Pathogenic.

Fulgent Genetics
Classification: Uncertain significance for Bardet-Biedl syndrome 12. Last evaluated: 2024-02-28. Review status: criteria provided, single submitter. Criteria: ACMG Guidelines, 2015. Collection method: clinical testing. Allele origin: germline.

Blueprint Genetics
Classification: Likely pathogenic for BBS12-related disorders. Last evaluated: 2023-10-20. Review status: criteria provided, single submitter. Criteria: ACMG Guidelines, 2015. Collection method: clinical testing. Allele origin: germline. Affected: yes. Observed: 4 variant alleles.

PreventionGenetics, part of Exact Sciences
Classification: Uncertain significance for BBS12-related condition. Last evaluated: 2023-03-09. Review status: criteria provided, single submitter. Criteria: ACMG Guidelines, 2015. Collection method: clinical testing. Allele origin: germline.
Comment: The BBS12 c.476C>T variant is predicted to result in the amino acid substitution p.Pro159Leu. This variant was reported in at least two individuals with Bardet-Biedl syndrome (Stoetzel et al. 2007. PubMed ID: 17160889; Scheidecker et al. 2015. PubMed ID: 25982971; Daniels et al. 2012. PubMed ID: 22410627; Chen et al. 2011. PubMed ID: 21642631). This variant is reported in 0.0023% of alleles in individuals of European (Non-Finnish) descent in gnomAD. Functional studies are conflicting, one study concludes this variant as benign (Zaghloul NA et al 2010. PubMed ID: 20498079 Table S5), another study shows reduced protein interaction with BBS6, while interaction with BBS7 in unaffected (Seo et al. 2010. PubMed ID: 20080638). Although we suspect that this variant may be pathogenic, at this time, the clinical significance of this variant is uncertain due to the absence of conclusive functional and genetic evidence.

Natera, Inc.
Classification: Uncertain significance for Bardet-Biedl syndrome type 12. Last evaluated: 2020-10-14. Review status: no assertion criteria provided. Collection method: clinical testing. Allele origin: germline. Not counted in ClinVar's aggregate classification.

Counsyl
Classification: Uncertain significance for Bardet-Biedl syndrome 12. Last evaluated: 2017-12-11. Review status: no assertion criteria provided. Collection method: clinical testing. Allele origin: unknown. Not counted in ClinVar's aggregate classification.

Literature cited by the submitters: PubMed 22410627 (cited by Labcorp Genetics (formerly Invitae), Labcorp); PubMed 25982971 (cited by Labcorp Genetics (formerly Invitae), Labcorp); PubMed 20080638 (cited by Labcorp Genetics (formerly Invitae), Labcorp and Counsyl); PubMed 20498079 (cited by Labcorp Genetics (formerly Invitae), Labcorp and Counsyl); PubMed 17160889 (cited by Counsyl); PubMed 21642631 (cited by Counsyl).